The following is an entry in ClinVar:

NM_003482.4(KMT2D):c.13068del (p.Arg4357fs)

Gene: KMT2D (lysine methyltransferase 2D; minus strand). Cytogenetic location: 12q13.12.
Variant type: Deletion.
Coding change: c.13068del on transcript NM_003482.4 (MANE Select); coding-DNA position 13068, one base deleted (G; older notation c.13068delG).
Protein change: p.Arg4357fs; shifts the reading frame from arginine 4357.
Molecular consequence: frameshift variant.
Genome position (GRCh38, 1-based): chr12:49,031,637, C deleted on the plus strand (G on the coding strand, the reverse complement: KMT2D is on the minus strand); the first of 3 consecutive C bases (chr12:49,031,637-49,031,639); deleting any one gives the same sequence. VCF-style (leftmost placement, unchanged base first): chr12-49031636-TC-T. GRCh37 (hg19) VCF-style: chr12-49425419-TC-T.
Other names: c.13068delG (NM_003482.4); short protein forms R4357fs.
Identifiers: ClinVar variation 4537467 (VCV004537467.1).
Genomic context (GRCh38, chr12:49,031,636, plus strand): 5'-AAGGTCCCAGACCCTTGCTAAACAAGGTATCTGCAAGCTGGGCAGCAGCAGGTGAGACCC[TC>T]CCAGGAGGCGGCTCCAAGGTTGGCCCCTGAGGTTTGGGGGTCCCTGGATGGGTGGGAGGG-3'

ClinVar aggregate classification (germline): Pathogenic (1 of 4 stars; one submission).

Conditions:
Kabuki syndrome 1 (KABUK1). Also called: KMT2D-Related Kabuki Syndrome. Identifiers: Orphanet 2322, MedGen CN030661, MONDO:0007843, OMIM 147920.

Submission:

Pele Pequeno Principe Research Institute, Faculdades Pequeno Principe
Classification: Pathogenic for Kabuki syndrome 1. Last evaluated: 2025-12-12. Review status: criteria provided, single submitter. Criteria: ACMG Guidelines, 2015. Collection method: research. Allele origin: germline. Inheritance: Autosomal dominant inheritance. Affected: yes. Observed: 1 heterozygote.
Comment: The KMT2D:c.13068delG variant corresponds to a deletion of one nucleotide (G) at position 13068 of the KMT2D cDNA. This deletion results in a frameshift that introduces a premature termination codon at amino acid position 4357 (p.Arg4357fs), predicting nonsense-mediated mRNA decay (NMD) and/or production of a truncated protein. Loss of function is a well-established pathogenic mechanism for KMT2D, the major gene associated with Kabuki syndrome. According to the Genome Aggregation Database (gnomAD), this variant is absent from population datasets. Familial segregation analysis demonstrated that the variant occurred de novo, confirming its absence in both parents. The gene–disease association between KMT2D loss-of-function variants and Kabuki syndrome is well established in the literature (PMIDs: 20301500; 21129726; 21782149).

Literature cited by the submitters: PubMed 20301500; PubMed 21129726; PubMed 21782149.